The following is an entry in ClinVar:

ClinVar aggregate classification (germline): Benign (0 of 4 stars; one submission).

Conditions:
ATE1-related disorder. Also called: ATE1-related condition.

Allele frequency attached by ClinVar (database versions not stated): TOPMed 0.89535; 1000 Genomes Project 0.89916; 1000 Genomes Project 30x 0.89959; ExAC 0.90299; gnomAD 0.90487; ESP Exome Variant Server 0.91527; gnomAD exomes 0.91588.
gnomAD v4.1: 1,475,595 of 1,612,850 alleles (91%); highest among the groups gnomAD compares: Middle Eastern, 94%; 675,879 homozygotes.

Submission:

PreventionGenetics, part of Exact Sciences
Classification: Benign for ATE1-related condition. Last evaluated: 2019-10-17. Review status: no assertion criteria provided. Collection method: clinical testing. Allele origin: germline.
Comment: This variant is classified as benign based on ACMG/AMP sequence variant interpretation guidelines (Richards et al. 2015 PMID: 25741868, with internal and published modifications).

NM_001001976.3(ATE1):c.303A>G (p.Leu101=)

Gene: ATE1 (arginyltransferase 1; minus strand). Cytogenetic location: 10q26.13.
Variant type: single nucleotide variant.
Coding change: c.303A>G on transcript NM_001001976.3 (MANE Select); coding-DNA position 303, A replaced by G.
Protein change: p.Leu101=; no amino-acid change (leucine 101 retained).
Molecular consequence: synonymous variant. On other transcripts: non-coding transcript variant (1), intron variant (1).
Genome position (GRCh38, 1-based): chr10:121,913,824, T>C on the plus strand (A>G on the coding strand, the complement: ATE1 is on the minus strand). VCF-style: chr10-121913824-T-C. GRCh37 (hg19) VCF-style: chr10-123673339-T-C.
Other names: c.15A>G, p.Leu5= (NM_001288735.2); c.282A>G, p.Leu94= (NM_001288736.2); c.303A>G, p.Leu101= (NM_007041.4); c.-8-2673A>G (NM_001288734.2).
Identifiers: ClinVar variation 3059291 (VCV003059291.2), dbSNP rs10749435, ClinGen allele CA5721697.
Genomic context (GRCh38, chr10:121,913,824, plus strand): 5'-TCGTTTTTAGACCCAGCCCATCTTACCCTCACAACTTCCTTTGGGAACCTCCCCTTTAGC[T>C]AGAAATTTCAACATTTTTTTCAAAACCTTCTTGTGAGATTTTGAAGGCTGAAATTGTAAA-3'
Protein context (NP_001001976.1, residues 91-111): KKVLKKMLKF[Leu101=]AKGEVPKGSC